The following is an entry in ClinVar:

NM_000059.4(BRCA2):c.1652A>G (p.Asp551Gly)

Gene: BRCA2 (BRCA2 DNA repair associated; plus strand). Cytogenetic location: 13q13.1.
Variant type: single nucleotide variant.
Coding change: c.1652A>G on transcript NM_000059.4 (MANE Select); coding-DNA position 1652, A replaced by G.
Protein change: p.Asp551Gly; replaces aspartic acid 551 with glycine.
Molecular consequence: missense variant.
Genome position (GRCh38, 1-based): chr13:32,333,130, A>G. VCF-style: chr13-32333130-A-G. GRCh37 (hg19) VCF-style: chr13-32907267-A-G.
Other names: short protein forms D551G.
Identifiers: ClinVar variation 441501 (VCV000441501.21), dbSNP rs1555282001, ClinGen allele CA387765005.

ClinVar aggregate classification (germline): Conflicting classifications of pathogenicity. Review status: criteria provided, conflicting classifications (1 of 4 stars). 7 submissions from 7 submitters: Uncertain significance (6); Likely benign (1). Last evaluated 2025-05-08.

Conditions:
Hereditary cancer-predisposing syndrome. Also called: Hereditary Cancer Syndrome; Hereditary neoplastic syndrome; Neoplastic Syndromes, Hereditary; Tumor predisposition. Identifiers: Orphanet 140162, MedGen C0027672, MeSH D009386, MONDO:0015356.
Hereditary breast ovarian cancer syndrome. Also called: Hereditary breast and ovarian cancer; Breast and ovarian cancer; Hereditary breast and ovarian cancer syndrome; Hereditary breast and/or ovarian cancer syndrome; BRCA1- and BRCA2-Associated Hereditary Breast and Ovarian Cancer; Hereditary breast and ovarian cancer syndrome (HBOC). Identifiers: Orphanet 145, MedGen C0677776, MeSH D061325, MONDO:0003582. Disease mechanism: loss of function.
BRCA2-related cancer predisposition. Identifiers: MedGen CN377758, MONDO:0700269.

Submissions (7):

Labcorp Genetics (formerly Invitae), Labcorp
Classification: Uncertain significance for Hereditary breast ovarian cancer syndrome. Last evaluated: 2025-05-08. Review status: criteria provided, single submitter. Criteria: Invitae Variant Classification Sherloc (09022015). Collection method: clinical testing. Allele origin: germline.
Comment: This sequence change replaces aspartic acid, which is acidic and polar, with glycine, which is neutral and non-polar, at codon 551 of the BRCA2 protein (p.Asp551Gly). This variant is not present in population databases (gnomAD no frequency). This variant has not been reported in the literature in individuals affected with BRCA2-related conditions. ClinVar contains an entry for this variant (Variation ID: 441501). Invitae Evidence Modeling of protein sequence and biophysical properties (such as structural, functional, and spatial information, amino acid conservation, physicochemical variation, residue mobility, and thermodynamic stability) indicates that this missense variant is not expected to disrupt BRCA2 protein function with a negative predictive value of 95%. In summary, the available evidence is currently insufficient to determine the role of this variant in disease. Therefore, it has been classified as a Variant of Uncertain Significance.

GeneDx
Classification: Uncertain significance. Last evaluated: 2024-04-03. Review status: criteria provided, single submitter. Criteria: GeneDx Variant Classification Process June 2021. Collection method: clinical testing. Allele origin: germline. Affected: yes.
Comment: Identified in individual(s) with breast cancer (PMID: 33471991); Not observed at significant frequency in large population cohorts (gnomAD); In silico analysis supports that this missense variant does not alter protein structure/function; Also known as 1880A>G; This variant is associated with the following publications: (PMID: 33471991)

All of Us Research Program, National Institutes of Health
Classification: Uncertain significance for BRCA2-related cancer predisposition. Last evaluated: 2024-03-24. Review status: criteria provided, single submitter. Criteria: ACMG Guidelines, 2015. Collection method: clinical testing. Allele origin: germline. Inheritance: Autosomal dominant inheritance. Observed: 1 variant allele, 1 heterozygote.
Comment: This missense variant replaces aspartic acid with glycine at codon 551 of the BRCA2 protein. Computational prediction suggests that this variant may not impact protein structure and function (internally defined REVEL score threshold <= 0.5, PMID: 27666373). To our knowledge, functional studies have not been reported for this variant. This variant has been detected in a breast cancer case-control meta-analysis in 1/60463 cases and 0/53461 unaffected individuals (PMID: 33471991; Leiden Open Variation Database DB-ID BRCA2_007858). This variant has not been identified in the general population by the Genome Aggregation Database (gnomAD). The available evidence is insufficient to determine the role of this variant in disease conclusively. Therefore, this variant is classified as a Variant of Uncertain Significance.

This study involves interpretation of variants in research participants for the purpose of population health screening. Participant phenotype was not available at the time of variant classification. Additional details can be found in publication PMID: 35346344, PMCID: PMC8962531

Quest Diagnostics Nichols Institute San Juan Capistrano
Classification: Uncertain significance. Last evaluated: 2024-02-15. Review status: criteria provided, single submitter. Criteria: Quest Diagnostics criteria. Collection method: clinical testing. Allele origin: unknown.
Comment: The BRCA2 c.1652A>G (p.Asp551Gly) variant has been reported in the published literature in an affected individual with breast cancer in a large scale breast cancer association study (PMID: 33471991 (2021), see also LOVD). It was also described to be located in a region of the BRCA2 gene that is tolerant to missense sequence changes (PMID: 31911673 (2020)). This variant has not been reported in large, multi-ethnic general populations (Genome Aggregation Database). Analysis of this variant using bioinformatics tools for the prediction of the effect of amino acid changes on protein structure and function yielded predictions that this variant is benign. Based on the available information, we are unable to determine the clinical significance of this variant.

Color Diagnostics, LLC DBA Color Health
Classification: Uncertain significance for Hereditary cancer-predisposing syndrome. Last evaluated: 2024-02-14. Review status: criteria provided, single submitter. Criteria: ACMG Guidelines, 2015. Collection method: clinical testing. Allele origin: germline.
Comment: This missense variant replaces aspartic acid with glycine at codon 551 of the BRCA2 protein. Computational prediction suggests that this variant may not impact protein structure and function. To our knowledge, functional studies have not been reported for this variant. This variant has been detected in a breast cancer case-control meta-analysis in 1/60463 cases and 0/53461 unaffected individuals (PMID: 33471991; Leiden Open Variation Database DB-ID BRCA2_007858). This variant has not been identified in the general population by the Genome Aggregation Database (gnomAD). The available evidence is insufficient to determine the role of this variant in disease conclusively. Therefore, this variant is classified as a Variant of Uncertain Significance.

University of Washington Department of Laboratory Medicine, University of Washington
Classification: Likely benign for Hereditary cancer-predisposing syndrome. Last evaluated: 2023-03-23. Review status: criteria provided, single submitter. Criteria: Dines et al. (Genet Med. 2020). Collection method: curation. Allele origin: germline.
Comment: Missense variant in a coldspot region where missense variants are very unlikely to be pathogenic (PMID:31911673).

BRCA2 exon 10 coldspot. Reclassification based on statistical prior probability.

Ambry Genetics
Classification: Uncertain significance for Hereditary cancer-predisposing syndrome. Last evaluated: 2022-12-19. Review status: criteria provided, single submitter. Criteria: Ambry Variant Classification Scheme 2023. Collection method: clinical testing. Allele origin: germline.
Comment: The p.D551G variant (also known as c.1652A>G), located in coding exon 9 of the BRCA2 gene, results from an A to G substitution at nucleotide position 1652. The aspartic acid at codon 551 is replaced by glycine, an amino acid with similar properties. This amino acid position is poorly conserved in available vertebrate species. In addition, this alteration is predicted to be tolerated by in silico analysis. Since supporting evidence is limited at this time, the clinical significance of this alteration remains unclear.

Literature cited by the submitters: PubMed 33471991 (cited by 3 submitters); PubMed 31911673 (cited by Quest Diagnostics Nichols Institute San Juan Capistrano).